The following is an entry in ClinVar:

NM_001754.5(RUNX1):c.1291C>G (p.Pro431Ala)

Gene: RUNX1 (RUNX family transcription factor 1; minus strand). Cytogenetic location: 21q22.12.
Variant type: single nucleotide variant.
Coding change: c.1291C>G on transcript NM_001754.5 (MANE Select); coding-DNA position 1291, C replaced by G.
Protein change: p.Pro431Ala; replaces proline 431 with alanine.
Molecular consequence: missense variant.
Genome position (GRCh38, 1-based): chr21:34,792,287, G>C on the plus strand (C>G on the coding strand, the complement: RUNX1 is on the minus strand). VCF-style: chr21-34792287-G-C. GRCh37 (hg19) VCF-style: chr21-36164584-G-C.
Other names: NM_001754.5(RUNX1):c.1291C>G; p.Pro431Ala; c.1210C>G, p.Pro404Ala (NM_001001890.3); short protein forms P404A, P431A.
Identifiers: ClinVar variation 968245 (VCV000968245.10), dbSNP rs2056450777, ClinGen allele CA410147492.

ClinVar aggregate classification (germline): Uncertain significance. Review status: reviewed by expert panel (3 of 4 stars). 2 submissions from 2 submitters: Uncertain significance (1). 1 of the submissions does not count toward it. Last evaluated 2024-07-11.

Conditions:
Hereditary thrombocytopenia and hematologic cancer predisposition syndrome. Identifiers: Orphanet 71290, MedGen CN281654, MONDO:0011071.
Hereditary thrombocytopenia and hematological cancer predisposition syndrome associated with RUNX1. Also called: Familial Platelet Disorder with Propensity to Acute Myelogenous Leukemia; Familial thrombocytopenia with propensity to acute myelogenous leukemia; RUNX1 Familial Platelet Disorder with Associated Myeloid Malignancies; PLATELET DISORDER, ASPIRIN-LIKE. Identifiers: Orphanet 71290, MedGen C1832388, MeSH C563324, MONDO:0100083, OMIM 601399.

Submissions (2):

ClinGen Myeloid Malignancy Variant Curation Expert Panel
Classification: Uncertain significance for Hereditary thrombocytopenia and hematologic cancer predisposition syndrome. Last evaluated: 2024-07-11. Review status: reviewed by expert panel. Criteria: ClinGen MyeloMalig ACMG Specifications v2. Collection method: curation. Allele origin: germline. Inheritance: Autosomal dominant inheritance.
Comment: NM_001754.5(RUNX1):c.1291C>G (p.Pro431Ala) is a missense variant which has a REVEL score < 0.50 (0.165) and a SpliceAI score ≤ 0.20 (0.0) (BP4). This variant is completely absent from all population databases with at least 20x coverage for RUNX1 (PM2_supporting). In summary, the clinical significance of this variant is uncertain. ACMG/AMP criteria applied, as specified by the Myeloid Malignancy Variant Curation Expert Panel for RUNX1: BP4, PM2_supporting.

Labcorp Genetics (formerly Invitae), Labcorp
Classification: Uncertain significance for Hereditary thrombocytopenia and hematological cancer predisposition syndrome associated with RUNX1. Last evaluated: 2019-10-08. Review status: criteria provided, single submitter. Criteria: Invitae Variant Classification Sherloc (09022015). Collection method: clinical testing. Allele origin: germline. Not counted in ClinVar's aggregate classification.
Comment: This sequence change replaces proline with alanine at codon 431 of the RUNX1 protein (p.Pro431Ala). The proline residue is moderately conserved and there is a small physicochemical difference between proline and alanine. This variant is not present in population databases (ExAC no frequency). This variant has not been reported in the literature in individuals with RUNX1-related conditions. Algorithms developed to predict the effect of missense changes on protein structure and function are either unavailable or do not agree on the potential impact of this missense change (SIFT: "Tolerated"; PolyPhen-2: "Probably Damaging"; Align-GVGD: "Class C0"). In summary, the available evidence is currently insufficient to determine the role of this variant in disease. Therefore, it has been classified as a Variant of Uncertain Significance.